The following is an entry in ClinVar:

ClinVar aggregate classification (germline): Uncertain significance. Review status: criteria provided, multiple submitters, no conflicts (2 of 4 stars). 2 submissions from 2 submitters: Uncertain significance (2). Last evaluated 2024-05-10.

Allele frequency attached by ClinVar (database versions not stated): ExAC 0.00001; 1000 Genomes Project 30x 0.00016; 1000 Genomes Project 0.00020.

Submissions (2):

Labcorp Genetics (formerly Invitae), Labcorp
Classification: Uncertain significance. Last evaluated: 2024-05-10. Review status: criteria provided, single submitter. Criteria: Invitae Variant Classification Sherloc (09022015). Collection method: clinical testing. Allele origin: germline.
Comment: This sequence change replaces methionine, which is neutral and non-polar, with isoleucine, which is neutral and non-polar, at codon 143 of the TFAM protein (p.Met143Ile). The frequency data for this variant in the population databases is considered unreliable, as metrics indicate poor data quality at this position in the gnomAD database. This variant has not been reported in the literature in individuals affected with TFAM-related conditions. ClinVar contains an entry for this variant (Variation ID: 2385274). Advanced modeling of protein sequence and biophysical properties (such as structural, functional, and spatial information, amino acid conservation, physicochemical variation, residue mobility, and thermodynamic stability) performed at Invitae indicates that this missense variant is not expected to disrupt TFAM protein function with a negative predictive value of 80%. In summary, the available evidence is currently insufficient to determine the role of this variant in disease. Therefore, it has been classified as a Variant of Uncertain Significance.

Ambry Genetics
Classification: Uncertain significance. Last evaluated: 2022-04-13. Review status: criteria provided, single submitter. Criteria: Ambry Variant Classification Scheme 2023. Collection method: clinical testing. Allele origin: germline.

NM_003201.3(TFAM):c.429G>A (p.Met143Ile)

Gene: TFAM (transcription factor A, mitochondrial; plus strand). Cytogenetic location: 10q21.1.
Variant type: single nucleotide variant.
Coding change: c.429G>A on transcript NM_003201.3 (MANE Select); coding-DNA position 429, G replaced by A.
Protein change: p.Met143Ile; replaces methionine 143 with isoleucine.
Molecular consequence: missense variant. On other transcripts: non-coding transcript variant (1).
Genome position (GRCh38, 1-based): chr10:58,388,807, G>A. VCF-style: chr10-58388807-G-A. GRCh37 (hg19) VCF-style: chr10-60148567-G-A.
Other names: c.429G>A, p.Met143Ile (NM_001270782.2); short protein forms M143I.
Identifiers: ClinVar variation 2385274 (VCV002385274.4), dbSNP rs553009666, ClinGen allele CA5507958.